The following is an entry in ClinVar:

NM_001031710.3(KLHL7):c.1412G>C (p.Arg471Thr)

Gene: KLHL7 (kelch like family member 7; plus strand). Cytogenetic location: 7p15.3.
Variant type: single nucleotide variant.
Coding change: c.1412G>C on transcript NM_001031710.3 (MANE Select); coding-DNA position 1412, G replaced by C.
Protein change: p.Arg471Thr; replaces arginine 471 with threonine.
Molecular consequence: missense variant. On other transcripts: non-coding transcript variant (1).
Genome position (GRCh38, 1-based): chr7:23,172,980, G>C. VCF-style: chr7-23172980-G-C. GRCh37 (hg19) VCF-style: chr7-23212599-G-C.
Other names: c.1268G>C, p.Arg423Thr (NM_018846.5); short protein forms R423T, R471T.
Identifiers: ClinVar variation 1482445 (VCV001482445.8), dbSNP rs367934975, ClinGen allele CA155257619.

ClinVar aggregate classification (germline): Uncertain significance (1 of 4 stars; one submission).

Allele frequency attached by ClinVar (database versions not stated): gnomAD exomes below 0.00001; TOPMed 0.00001; ESP Exome Variant Server 0.00008.
gnomAD v4.1: 2 of 1,613,836 alleles (0.00012%); highest among the groups gnomAD compares: Non-Finnish European, 0.000085%; no homozygotes.

Submission:

Labcorp Genetics (formerly Invitae), Labcorp
Classification: Uncertain significance. Last evaluated: 2025-03-04. Review status: criteria provided, single submitter. Criteria: Invitae Variant Classification Sherloc (09022015). Collection method: clinical testing. Allele origin: germline.
Comment: This sequence change replaces arginine, which is basic and polar, with threonine, which is neutral and polar, at codon 471 of the KLHL7 protein (p.Arg471Thr). This variant is not present in population databases (gnomAD no frequency). This variant has not been reported in the literature in individuals affected with KLHL7-related conditions. ClinVar contains an entry for this variant (Variation ID: 1482445). An algorithm developed to predict the effect of missense changes on protein structure and function (PolyPhen-2) suggests that this variant is likely to be disruptive. In summary, the available evidence is currently insufficient to determine the role of this variant in disease. Therefore, it has been classified as a Variant of Uncertain Significance.